The following is an entry in ClinVar:

NM_144508.5(KNL1):c.2806A>G (p.Thr936Ala)

Gene: KNL1 (kinetochore scaffold 1; plus strand). Cytogenetic location: 15q15.1.
Variant type: single nucleotide variant.
Coding change: c.2806A>G on transcript NM_144508.5 (MANE Select); coding-DNA position 2806, A replaced by G.
Protein change: p.Thr936Ala; replaces threonine 936 with alanine.
Molecular consequence: missense variant.
Genome position (GRCh38, 1-based): chr15:40,623,070, A>G. VCF-style: chr15-40623070-A-G. GRCh37 (hg19) VCF-style: chr15-40915268-A-G.
Other names: c.2884A>G, p.Thr962Ala (NM_170589.5); short protein forms T962A, T936A.
Identifiers: ClinVar variation 5001580 (VCV005001580.1).

ClinVar aggregate classification (germline): Uncertain significance (1 of 4 stars; one submission).

Conditions:
KNL1-related disorder. Also called: KNL1-related condition.

Submission:

PreventionGenetics, part of Exact Sciences
Classification: Uncertain significance for KNL1-related condition. Last evaluated: 2025-06-23. Review status: criteria provided, single submitter. Criteria: ACMG Guidelines, 2015. Collection method: clinical testing. Allele origin: germline.
Comment: The KNL1 c.2884A>G variant is predicted to result in the amino acid substitution p.Thr962Ala. To our knowledge, this variant has not been reported in the literature. This variant is reported in 0.0041% of alleles in individuals of African descent in gnomAD. At this time, the clinical significance of this variant is uncertain due to the absence of conclusive functional and genetic evidence.